The following is an entry in ClinVar:

NM_014000.3(VCL):c.1228G>A (p.Gly410Ser)

Gene: VCL (vinculin; plus strand). Cytogenetic location: 10q22.2.
Variant type: single nucleotide variant.
Coding change: c.1228G>A on transcript NM_014000.3 (MANE Select); coding-DNA position 1228, G replaced by A.
Protein change: p.Gly410Ser; replaces glycine 410 with serine.
Molecular consequence: missense variant.
Genome position (GRCh38, 1-based): chr10:74,090,074, G>A. VCF-style: chr10-74090074-G-A. GRCh37 (hg19) VCF-style: chr10-75849832-G-A.
Other names: c.1228G>A, p.Gly410Ser (NM_003373.4); short protein forms G410S.
Identifiers: ClinVar variation 1754858 (VCV001754858.2), dbSNP rs1413008162, ClinGen allele CA377273170.
Genomic context (GRCh38, chr10:74,090,074, plus strand): 5'-TATGTGTAGAACTGGCTTGCAGATCCAAATGGTGGACCGGAAGGAGAAGAGCAGATTCGA[G>A]GTGCTTTGGCTGAAGCTCGGAAAATAGCAGAATTATGTGATGATCCTAAAGAAAGAGATG-3'
Protein context (NP_054706.1, residues 400-420): GGPEGEEQIR[Gly410Ser]ALAEARKIAE

ClinVar aggregate classification (germline): Uncertain significance (1 of 4 stars; one submission).

Conditions:
Cardiovascular phenotype. Identifiers: MedGen CN230736.

Allele frequency attached by ClinVar (database versions not stated): gnomAD exomes below 0.00001.
gnomAD v4.1: 3 of 1,614,146 alleles (0.00019%); highest among the groups gnomAD compares: Non-Finnish European, 0.00025%; no homozygotes.

Submission:

Ambry Genetics
Classification: Uncertain significance for Cardiovascular phenotype. Last evaluated: 2016-06-30. Review status: criteria provided, single submitter. Criteria: Ambry Variant Classification Scheme 2023. Collection method: clinical testing. Allele origin: germline.
Comment: The p.G410S variant (also known as c.1228G>A), located in coding exon 10 of the VCL gene, results from a G to A substitution at nucleotide position 1228. The glycine at codon 410 is replaced by serine, an amino acid with similar properties. This amino acid position is not well conserved in available vertebrate species. In addition, the in silico prediction for this alteration is inconclusive. Since supporting evidence is limited at this time, the clinical significance of this alteration remains unclear.